The following is an entry in ClinVar:

ClinVar aggregate classification (germline): Uncertain significance (1 of 4 stars; one submission).

Submission:

Labcorp Genetics (formerly Invitae), Labcorp
Classification: Uncertain significance. Last evaluated: 2025-09-22. Review status: criteria provided, single submitter. Criteria: Invitae Variant Classification Sherloc (09022015). Collection method: clinical testing. Allele origin: germline.
Comment: This sequence change creates a premature translational stop signal (p.His326Glnfs*21) in the REST gene. While this is not anticipated to result in nonsense mediated decay, it is expected to disrupt the last 772 amino acid(s) of the REST protein. This variant is not present in population databases (gnomAD no frequency). This variant has not been reported in the literature in individuals affected with REST-related conditions. Experimental studies and prediction algorithms are not available or were not evaluated, and the functional significance of this variant is currently unknown. In summary, the available evidence is currently insufficient to determine the role of this variant in disease. Therefore, it has been classified as a Variant of Uncertain Significance.

NM_005612.5(REST):c.978_981del (p.His326fs)

Gene: REST (RE1 silencing transcription factor; plus strand). Cytogenetic location: 4q12.
Variant type: Deletion.
Coding change: c.978_981del on transcript NM_005612.5 (MANE Select); coding-DNA positions 978 to 981, 4 bases deleted (TTCA; older notation c.978_981delTTCA).
Protein change: p.His326fs; shifts the reading frame from histidine 326.
Molecular consequence: frameshift variant. On other transcripts: intron variant (2).
Genome position (GRCh38, 1-based): chr4:56,919,866-56,919,869, TTCA deleted; deleting any 4 consecutive bases within chr4:56,919,863-56,919,869 gives the same sequence; the c. name uses the placement nearest the transcript's 3' end. VCF-style (leftmost placement, unchanged base first): chr4-56919862-CTCAT-C. GRCh37 (hg19) VCF-style: chr4-57786028-CTCAT-C.
Other names: c.978_981del, p.His326fs (NM_001193508.2, NM_001363453.3); c.898+8330_898+8333del (NM_001440532.1, NM_001440533.1); short protein forms H326fs.
Identifiers: ClinVar variation 4727612 (VCV004727612.1).